The following is an entry in ClinVar:

NM_000092.5(COL4A4):c.1988-3C>T

Gene: COL4A4 (collagen type IV alpha 4 chain; minus strand). Cytogenetic location: 2q36.3.
Variant type: single nucleotide variant.
Coding change: c.1988-3C>T on transcript NM_000092.5 (MANE Select); 3 bases into the intron before coding-DNA position 1988, C replaced by T.
Molecular consequence: intron variant.
Genome position (GRCh38, 1-based): chr2:227,062,601, G>A on the plus strand (C>T on the coding strand, the complement: COL4A4 is on the minus strand). VCF-style: chr2-227062601-G-A. GRCh37 (hg19) VCF-style: chr2-227927317-G-A.
Identifiers: ClinVar variation 898747 (VCV000898747.10), dbSNP rs752688851, ClinGen allele CA2144989.

ClinVar aggregate classification (germline): Uncertain significance. Review status: criteria provided, multiple submitters, no conflicts (2 of 4 stars). 4 submissions from 4 submitters: Uncertain significance (3). 1 of the submissions does not count toward it. Last evaluated 2025-05-16.

Conditions:
Alport syndrome. Also called: Hemorrhagic familial nephritis; Hemorrhagic hereditary nephritis; Congenital hereditary hematuria. Identifiers: Orphanet 63, MedGen C1567741, MONDO:0018965.

Allele frequency attached by ClinVar (database versions not stated): gnomAD 0.00001; gnomAD exomes 0.00004 and 0.00003; TOPMed 0.00001; ExAC 0.00001.
gnomAD v4.1: 57 of 1,610,566 alleles (0.0035%); highest among the groups gnomAD compares: Non-Finnish European, 0.0044%; no homozygotes.

Submissions (4):

GeneDx
Classification: Uncertain significance. Last evaluated: 2025-05-16. Review status: criteria provided, single submitter. Criteria: GeneDx Variant Classification Process June 2021. Collection method: clinical testing. Allele origin: germline. Affected: yes.
Comment: In silico analysis suggests that this variant does not alter splicing; Has not been previously published as pathogenic or benign to our knowledge

Labcorp Genetics (formerly Invitae), Labcorp
Classification: Uncertain significance. Last evaluated: 2025-02-10. Review status: criteria provided, single submitter. Criteria: Invitae Variant Classification Sherloc (09022015). Collection method: clinical testing. Allele origin: germline.
Comment: This sequence change falls in intron 25 of the COL4A4 gene. It does not directly change the encoded amino acid sequence of the COL4A4 protein. It affects a nucleotide within the consensus splice site. This variant is present in population databases (rs752688851, gnomAD 0.005%). This variant has not been reported in the literature in individuals affected with COL4A4-related conditions. ClinVar contains an entry for this variant (Variation ID: 898747). Variants that disrupt the consensus splice site are a relatively common cause of aberrant splicing (PMID: 17576681, 9536098). Algorithms developed to predict the effect of sequence changes on RNA splicing suggest that this variant is not likely to affect RNA splicing. In summary, the available evidence is currently insufficient to determine the role of this variant in disease. Therefore, it has been classified as a Variant of Uncertain Significance.

Illumina Laboratory Services, Illumina
Classification: Uncertain significance for Alport syndrome. Last evaluated: 2018-01-13. Review status: criteria provided, single submitter. Criteria: ICSL Variant Classification Criteria 13 December 2019. Collection method: clinical testing. Allele origin: germline.

Natera, Inc.
Classification: Uncertain significance for Alport syndrome. Last evaluated: 2020-08-14. Review status: no assertion criteria provided. Collection method: clinical testing. Allele origin: germline. Not counted in ClinVar's aggregate classification.

Literature cited by the submitters: PubMed 17576681 (cited by Labcorp Genetics (formerly Invitae), Labcorp); PubMed 9536098 (cited by Labcorp Genetics (formerly Invitae), Labcorp).